The following is an entry in ClinVar:

NM_016239.4(MYO15A):c.10372del (p.Pro3457_Leu3458insTer)

Gene: MYO15A (myosin XVA; plus strand). Cytogenetic location: 17p11.2.
Variant type: Deletion.
Coding change: c.10372del on transcript NM_016239.4 (MANE Select); coding-DNA position 10372, one base deleted (C; older notation c.10372delC).
Protein change: p.Pro3457_Leu3458insTer.
Molecular consequence: nonsense.
Genome position (GRCh38, 1-based): chr17:18,173,802, C deleted; the last of 5 consecutive C bases (chr17:18,173,798-18,173,802); deleting any one gives the same sequence. VCF-style (leftmost placement, unchanged base first): chr17-18173797-TC-T. GRCh37 (hg19) VCF-style: chr17-18077111-TC-T.
Identifiers: ClinVar variation 2710747 (VCV002710747.3), dbSNP rs2545338409, ClinGen allele CA2697559500.

ClinVar aggregate classification (germline): Pathogenic (1 of 4 stars; one submission).

Submission:

Labcorp Genetics (formerly Invitae), Labcorp
Classification: Pathogenic. Last evaluated: 2024-01-22. Review status: criteria provided, single submitter. Criteria: Invitae Variant Classification Sherloc (09022015). Collection method: clinical testing. Allele origin: germline.
Comment: This sequence change creates a premature translational stop signal (p.Leu3458*) in the MYO15A gene. It is expected to result in an absent or disrupted protein product. Loss-of-function variants in MYO15A are known to be pathogenic (PMID: 17546645). This variant is not present in population databases (gnomAD no frequency). This variant has not been reported in the literature in individuals affected with MYO15A-related conditions. For these reasons, this variant has been classified as Pathogenic.

Literature cited by the submitters: PubMed 17546645.